The following is an entry in ClinVar:

ClinVar aggregate classification (germline): Uncertain significance. Review status: criteria provided, multiple submitters, no conflicts (2 of 4 stars). 5 submissions from 5 submitters: Uncertain significance (5). Last evaluated 2022-12-22.

Conditions:
Familial sleep-related hypermotor epilepsy. Also called: Autosomal Dominant Sleep-Related Hypermotor (Hyperkinetic) Epilepsy. Identifiers: Orphanet 98784, MedGen C3696898, MONDO:0000030.
Autosomal dominant nocturnal frontal lobe epilepsy 3. Also called: CHRNB2-Related Nocturnal Frontal Lobe Epilepsy, Autosomal Dominant. Identifiers: Orphanet 98784, MedGen C1854335, MONDO:0011545, OMIM 605375.

Allele frequency attached by ClinVar (database versions not stated): gnomAD 0.00001; TOPMed 0.00001; gnomAD exomes 0.00003.

Submissions (5):

Labcorp Genetics (formerly Invitae), Labcorp
Classification: Uncertain significance. Last evaluated: 2022-12-22. Review status: criteria provided, single submitter. Criteria: Invitae Variant Classification Sherloc (09022015). Collection method: clinical testing. Allele origin: germline.
Comment: This sequence change replaces valine, which is neutral and non-polar, with leucine, which is neutral and non-polar, at codon 431 of the CHRNB2 protein (p.Val431Leu). This variant is present in population databases (no rsID available, gnomAD 0.04%). This variant has not been reported in the literature in individuals affected with CHRNB2-related conditions. ClinVar contains an entry for this variant (Variation ID: 423390). Advanced modeling of protein sequence and biophysical properties (such as structural, functional, and spatial information, amino acid conservation, physicochemical variation, residue mobility, and thermodynamic stability) performed at Invitae indicates that this missense variant is not expected to disrupt CHRNB2 protein function. In summary, the available evidence is currently insufficient to determine the role of this variant in disease. Therefore, it has been classified as a Variant of Uncertain Significance.

CeGaT Center for Human Genetics Tuebingen
Classification: Uncertain significance. Last evaluated: 2022-06-01. Review status: criteria provided, single submitter. Criteria: CeGaT Center For Human Genetics Tuebingen Variant Classification Criteria Version 2. Collection method: clinical testing. Allele origin: germline. Affected: yes. Observed: 1 variant allele.
Comment: CHRNB2: PM2, PP2, PP3

Blueprint Genetics
Classification: Uncertain significance. Last evaluated: 2020-10-09. Review status: criteria provided, single submitter. Criteria: ACMG Guidelines, 2015. Collection method: clinical testing. Allele origin: germline.

Genomic Research Center, Shahid Beheshti University of Medical Sciences
Classification: Uncertain significance for Epilepsy, nocturnal frontal lobe, type 3. Last evaluated: 2020-05-03. Review status: criteria provided, single submitter. Criteria: ACMG Guidelines, 2015. Collection method: clinical testing. Allele origin: unknown. Affected: yes.

GeneDx
Classification: Uncertain significance. Last evaluated: 2017-02-16. Review status: criteria provided, single submitter. Criteria: GeneDx Variant Classification (06012015). Collection method: clinical testing. Allele origin: germline. Affected: yes.
Comment: The V431L variant in the CHRNB2 gene has not been reported previously as a pathogenic variant, nor as a benign variant, to our knowledge. Adequate data is not available in large population cohorts to assess the frequency of this variant in publicly available databases; however, this variant has not been detected at a significant frequency in presumably healthy individuals tested at GeneDx. The V431L variant is a conservative amino acid substitution, which is not likely to impact secondary protein structure as these residues share similar properties. This substitution occurs at a position that is conserved across species. In silico analysis predicts this variant is probably damaging to the protein structure/function. We interpret V431L as a variant of uncertain significance.

NM_000748.3(CHRNB2):c.1291G>C (p.Val431Leu)

Gene: CHRNB2 (cholinergic receptor nicotinic beta 2 subunit; plus strand). Cytogenetic location: 1q21.3.
Variant type: single nucleotide variant.
Coding change: c.1291G>C on transcript NM_000748.3 (MANE Select); coding-DNA position 1291, G replaced by C.
Protein change: p.Val431Leu; replaces valine 431 with leucine.
Molecular consequence: missense variant.
Genome position (GRCh38, 1-based): chr1:154,572,114, G>C. VCF-style: chr1-154572114-G-C. GRCh37 (hg19) VCF-style: chr1-154544590-G-C.
Other names: short protein forms V431L.
Identifiers: ClinVar variation 423390 (VCV000423390.40), dbSNP rs1064796396, ClinGen allele CA16616990.